The following is an entry in ClinVar:

NM_001146.5(ANGPT1):c.264T>A (p.His88Gln)

Gene: ANGPT1 (angiopoietin 1; minus strand). Cytogenetic location: 8q23.1.
Variant type: single nucleotide variant.
Coding change: c.264T>A on transcript NM_001146.5 (MANE Select); coding-DNA position 264, T replaced by A.
Protein change: p.His88Gln; replaces histidine 88 with glutamine.
Molecular consequence: missense variant.
Genome position (GRCh38, 1-based): chr8:107,497,295, A>T on the plus strand (T>A on the coding strand, the complement: ANGPT1 is on the minus strand). VCF-style: chr8-107497295-A-T. GRCh37 (hg19) VCF-style: chr8-108509523-A-T.
Other names: c.264T>A, p.His88Gln (NM_001199859.3); short protein forms H88Q.
Identifiers: ClinVar variation 2992322 (VCV002992322.3), dbSNP rs772516925, ClinGen allele CA4841417.

ClinVar aggregate classification (germline): Uncertain significance (1 of 4 stars; one submission).

Allele frequency attached by ClinVar (database versions not stated): ExAC 0.00001; gnomAD exomes 0.00001; TOPMed 0.00001.
gnomAD v4.1: 8 of 1,614,202 alleles (0.0005%); highest among the groups gnomAD compares: Admixed American, 0.013%; no homozygotes.

Submission:

Labcorp Genetics (formerly Invitae), Labcorp
Classification: Uncertain significance. Last evaluated: 2023-04-22. Review status: criteria provided, single submitter. Criteria: Invitae Variant Classification Sherloc (09022015). Collection method: clinical testing. Allele origin: germline.
Comment: This sequence change replaces histidine, which is basic and polar, with glutamine, which is neutral and polar, at codon 88 of the ANGPT1 protein (p.His88Gln). In summary, the available evidence is currently insufficient to determine the role of this variant in disease. Therefore, it has been classified as a Variant of Uncertain Significance. An algorithm developed to predict the effect of missense changes on protein structure and function (PolyPhen-2) suggests that this variant is likely to be tolerated. This variant has not been reported in the literature in individuals affected with ANGPT1-related conditions. This variant is present in population databases (rs772516925, gnomAD 0.02%).